The following is an entry in ClinVar:

ClinVar aggregate classification (germline): Uncertain significance (1 of 4 stars; one submission).

Conditions:
Hereditary cancer-predisposing syndrome. Also called: Neoplastic Syndromes, Hereditary; Tumor predisposition; Hereditary Cancer Syndrome; Hereditary neoplastic syndrome. Identifiers: Orphanet 140162, MedGen C0027672, MeSH D009386, MONDO:0015356.

Submission:

Ambry Genetics
Classification: Uncertain significance for Hereditary cancer-predisposing syndrome. Last evaluated: 2025-09-16. Review status: criteria provided, single submitter. Criteria: Ambry Variant Classification Scheme 2023. Collection method: clinical testing. Allele origin: germline.
Comment: The p.G818R variant (also known as c.2452G>C), located in coding exon 15 of the RAD50 gene, results from a G to C substitution at nucleotide position 2452. The glycine at codon 818 is replaced by arginine, an amino acid with dissimilar properties. This amino acid position is conserved. In addition, this alteration is predicted to be deleterious by in silico analysis. Based on the available evidence, the clinical significance of this variant remains unclear.

NM_005732.4(RAD50):c.2452G>C (p.Gly818Arg)

Gene: RAD50 (RAD50 double strand break repair protein; plus strand). Cytogenetic location: 5q31.1.
Variant type: single nucleotide variant.
Coding change: c.2452G>C on transcript NM_005732.4 (MANE Select); coding-DNA position 2452, G replaced by C.
Protein change: p.Gly818Arg; replaces glycine 818 with arginine.
Molecular consequence: missense variant.
Genome position (GRCh38, 1-based): chr5:132,603,974, G>C. VCF-style: chr5-132603974-G-C. GRCh37 (hg19) VCF-style: chr5-131939666-G-C.
Other names: short protein forms G818R.
Identifiers: ClinVar variation 4677734 (VCV004677734.1).